The following is an entry in ClinVar:

ClinVar aggregate classification (germline): Uncertain significance. Review status: criteria provided, multiple submitters, no conflicts (2 of 4 stars). 2 submissions from 2 submitters: Uncertain significance (2). Last evaluated 2024-03-07.

Conditions:
RFT1-congenital disorder of glycosylation (CDG1N). Also called: CDG In; RFT1-CDG; Congenital disorder of glycosylation type In. Identifiers: Orphanet 244310, MedGen C2677590, MONDO:0012783, OMIM 612015.

Allele frequency attached by ClinVar (database versions not stated): gnomAD exomes below 0.00001; TOPMed below 0.00001; gnomAD 0.00003.
gnomAD v4.1: 2 of 1,613,806 alleles (0.00012%); highest among the groups gnomAD compares: African/African-American, 0.0013%; no homozygotes.

Submissions (2):

Labcorp Genetics (formerly Invitae), Labcorp
Classification: Uncertain significance for RFT1-congenital disorder of glycosylation. Last evaluated: 2024-03-07. Review status: criteria provided, single submitter. Criteria: Invitae Variant Classification Sherloc (09022015). Collection method: clinical testing. Allele origin: germline.
Comment: This sequence change replaces lysine, which is basic and polar, with glutamic acid, which is acidic and polar, at codon 41 of the RFT1 protein (p.Lys41Glu). This variant is present in population databases (no rsID available, gnomAD 0.007%). This variant has not been reported in the literature in individuals affected with RFT1-related conditions. ClinVar contains an entry for this variant (Variation ID: 346199). Advanced modeling of protein sequence and biophysical properties (such as structural, functional, and spatial information, amino acid conservation, physicochemical variation, residue mobility, and thermodynamic stability) performed at Invitae indicates that this missense variant is not expected to disrupt RFT1 protein function with a negative predictive value of 80%. In summary, the available evidence is currently insufficient to determine the role of this variant in disease. Therefore, it has been classified as a Variant of Uncertain Significance.

Illumina Laboratory Services, Illumina
Classification: Uncertain significance for RFT1-congenital disorder of glycosylation. Last evaluated: 2018-01-13. Review status: criteria provided, single submitter. Criteria: ICSL Variant Classification Criteria 13 December 2019. Collection method: clinical testing. Allele origin: germline.

NM_052859.4(RFT1):c.121A>G (p.Lys41Glu)

Gene: RFT1 (RFT1 glycolipid translocator homolog; minus strand). Cytogenetic location: 3p21.1.
Variant type: single nucleotide variant.
Coding change: c.121A>G on transcript NM_052859.4 (MANE Select); coding-DNA position 121, A replaced by G.
Protein change: p.Lys41Glu; replaces lysine 41 with glutamic acid.
Molecular consequence: missense variant.
Genome position (GRCh38, 1-based): chr3:53,125,937, T>C on the plus strand (A>G on the coding strand, the complement: RFT1 is on the minus strand). VCF-style: chr3-53125937-T-C. GRCh37 (hg19) VCF-style: chr3-53159953-T-C.
Other names: short protein forms K41E.
Identifiers: ClinVar variation 346199 (VCV000346199.9), dbSNP rs886058728, ClinGen allele CA10619191.
Genomic context (GRCh38, chr3:53,125,937, plus strand): 5'-CTCTGACAGTGCCAGGGTGCATCTCCTCCTACCTTACATTTACTACGCCAACGATTTCCT[T>C]TGACAGGAAGCGAAGAATAAATGCATTCAAGACAAAGGTGATCAACCGAAACAACACCTA-3'
Protein context (NP_443091.1, residues 31-51): LNAFILRFLS[Lys41Glu]EIVGVVNVRL